The following is an entry in ClinVar:

NM_000268.4(NF2):c.458A>G (p.Tyr153Cys)

Gene: NF2 (NF2, moesin-ezrin-radixin like (MERLIN) tumor suppressor; plus strand). Cytogenetic location: 22q12.2.
Variant type: single nucleotide variant.
Coding change: c.458A>G on transcript NM_000268.4 (MANE Select); coding-DNA position 458, A replaced by G.
Protein change: p.Tyr153Cys; replaces tyrosine 153 with cysteine.
Molecular consequence: missense variant. On other transcripts: non-coding transcript variant (1), intron variant (1).
Genome position (GRCh38, 1-based): chr22:29,654,667, A>G. VCF-style: chr22-29654667-A-G. GRCh37 (hg19) VCF-style: chr22-30050656-A-G.
Other names: c.458A>G, p.Tyr153Cys (NM_016418.5, NM_181825.3, NM_181832.3); c.332A>G, p.Tyr111Cys (NM_181828.3); c.335A>G, p.Tyr112Cys (NM_181829.3); c.209A>G, p.Tyr70Cys (NM_181830.3, NM_181831.3); c.447+12382A>G (NM_181833.3); short protein forms Y70C, Y111C, Y112C, Y153C.
Identifiers: ClinVar variation 1368584 (VCV001368584.8), dbSNP rs2146966434, ClinGen allele CA411142128.

ClinVar aggregate classification (germline): Uncertain significance (1 of 4 stars; one submission).

Conditions:
Neurofibromatosis, type 2 (SWNV). Also called: BILATERAL ACOUSTIC NEUROFIBROMATOSIS; NF2-Related Schwannomatosis; SCHWANNOMATOSIS, VESTIBULAR. Identifiers: Orphanet 637, MedGen C0027832, MONDO:0007039, OMIM 101000. Disease mechanism: loss of function.

Submission:

Labcorp Genetics (formerly Invitae), Labcorp
Classification: Uncertain significance for Neurofibromatosis, type 2. Last evaluated: 2021-03-02. Review status: criteria provided, single submitter. Criteria: Invitae Variant Classification Sherloc (09022015). Collection method: clinical testing. Allele origin: germline.
Comment: In summary, the available evidence is currently insufficient to determine the role of this variant in disease. Therefore, it has been classified as a Variant of Uncertain Significance. Algorithms developed to predict the effect of missense changes on protein structure and function are either unavailable or do not agree on the potential impact of this missense change (SIFT: "Tolerated"; PolyPhen-2: "Probably Damaging"; Align-GVGD: "Class C0"). This variant has not been reported in the literature in individuals with NF2-related conditions. This variant is not present in population databases (ExAC no frequency). This sequence change replaces tyrosine with cysteine at codon 153 of the NF2 protein (p.Tyr153Cys). The tyrosine residue is highly conserved and there is a large physicochemical difference between tyrosine and cysteine.